The following is an entry in ClinVar:

ClinVar aggregate classification (germline): Uncertain significance (1 of 4 stars; one submission).

Submission:

GeneDx
Classification: Uncertain significance. Last evaluated: 2024-11-20. Review status: criteria provided, single submitter. Criteria: GeneDx Variant Classification Process June 2021. Collection method: clinical testing. Allele origin: germline. Affected: yes.
Comment: Not observed at significant frequency in large population cohorts (gnomAD); Frameshift variant predicted to result in protein truncation or nonsense mediated decay in a gene or region of a gene for which loss of function is not a well-established mechanism of disease; Has not been previously published as pathogenic or benign to our knowledge.

NM_001205293.3(CACNA1E):c.73del (p.Arg25fs)

Gene: CACNA1E (calcium voltage-gated channel subunit alpha1 E; plus strand). Cytogenetic location: 1q25.3.
Variant type: Deletion.
Coding change: c.73del on transcript NM_001205293.3 (MANE Select); coding-DNA position 73, one base deleted (C; older notation c.73delC).
Protein change: p.Arg25fs; shifts the reading frame from arginine 25.
Molecular consequence: frameshift variant.
Genome position (GRCh38, 1-based): chr1:181,483,817, C deleted; the last of 2 consecutive C bases (chr1:181,483,816-181,483,817); deleting either gives the same sequence. VCF-style (leftmost placement, unchanged base first): chr1-181483815-AC-A. GRCh37 (hg19) VCF-style: chr1-181452951-AC-A.
Other names: c.73del, p.Arg25fs (NM_000721.4, NM_001205294.2); short protein forms R25fs.
Identifiers: ClinVar variation 3900363 (VCV003900363.1).